The following is an entry in ClinVar:

ClinVar aggregate classification (germline): Likely benign. Review status: criteria provided, multiple submitters, no conflicts (2 of 4 stars). 5 submissions from 5 submitters: Likely benign (2). 3 of the submissions do not count toward it. Last evaluated 2026-01-18.

Conditions:
MKS1-related disorder. Also called: MKS1-related disorders; MKS1-related condition. Identifiers: MedGen CN239382.
Bardet-Biedl syndrome 13 (BBS13). Identifiers: Orphanet 110, MedGen C2673873, MONDO:0014441, OMIM 615990.
Joubert syndrome 28 (JBTS28). Identifiers: MedGen C4310705, MONDO:0014928, OMIM 617121.
Meckel syndrome, type 1 (MKS1). Also called: MECKEL-GRUBER SYNDROME, TYPE 1. Identifiers: Orphanet 564, MedGen C3714506, MONDO:0009571, OMIM 249000.
Joubert syndrome. Also called: Familial aplasia of the vermis; JOUBERT-BOLTSHAUSER SYNDROME. Identifiers: Orphanet 475, MedGen C5979921, MONDO:0018772.
Meckel-Gruber syndrome. Also called: GRUBER SYNDROME; DYSENCEPHALIA SPLANCHNOCYSTICA; Dysencephalia splachnocystica. Identifiers: Orphanet 564, MedGen C0265215, MONDO:0018921.

Allele frequency attached by ClinVar (database versions not stated): TOPMed 0.00009; ExAC 0.00010; gnomAD 0.00010 and 0.00011; gnomAD exomes 0.00014; ESP Exome Variant Server 0.00017.

Submissions (5):

Labcorp Genetics (formerly Invitae), Labcorp
Classification: Likely benign for Joubert syndrome; Meckel-Gruber syndrome. Last evaluated: 2026-01-18. Review status: criteria provided, single submitter. Criteria: Invitae Variant Classification Sherloc (09022015). Collection method: clinical testing. Allele origin: germline.

Blueprint Genetics
Classification: Likely benign. Last evaluated: 2024-11-11. Review status: criteria provided, single submitter. Criteria: ACMG Guidelines, 2015. Collection method: clinical testing. Allele origin: germline.

PreventionGenetics, part of Exact Sciences
Classification: Likely benign for MKS1-related condition. Last evaluated: 2022-04-20. Review status: no assertion criteria provided. Collection method: clinical testing. Allele origin: germline. Not counted in ClinVar's aggregate classification.
Comment: This variant is classified as likely benign based on ACMG/AMP sequence variant interpretation guidelines (Richards et al. 2015 PMID: 25741868, with internal and published modifications).

Natera, Inc.
Classification: Likely benign for Meckel syndrome type 1. Last evaluated: 2020-05-04. Review status: no assertion criteria provided. Collection method: clinical testing. Allele origin: germline. Not counted in ClinVar's aggregate classification.

Counsyl
Classification: Uncertain significance for Meckel syndrome, type 1; Bardet-Biedl syndrome 13; Joubert syndrome 28. Last evaluated: 2017-01-03. Review status: no assertion criteria provided. Collection method: clinical testing. Allele origin: unknown. Not counted in ClinVar's aggregate classification.

NM_017777.4(MKS1):c.1609C>T (p.Arg537Cys)

Gene: MKS1 (MKS transition zone complex subunit 1; minus strand). Cytogenetic location: 17q22.
Variant type: single nucleotide variant.
Coding change: c.1609C>T on transcript NM_017777.4 (MANE Select); coding-DNA position 1609, C replaced by T.
Protein change: p.Arg537Cys; replaces arginine 537 with cysteine.
Molecular consequence: missense variant. On other transcripts: 3 prime UTR variant (1).
Genome position (GRCh38, 1-based): chr17:58,206,150, G>A on the plus strand (C>T on the coding strand, the complement: MKS1 is on the minus strand). VCF-style: chr17-58206150-G-A. GRCh37 (hg19) VCF-style: chr17-56283511-G-A.
Other names: c.1000C>T, p.Arg334Cys (NM_001321268.2); c.1526C>T, p.Ala509Val (NM_001321269.2); c.*21C>T (NM_001330397.2); short protein forms R537C, A509V, R334C.
Identifiers: ClinVar variation 220047 (VCV000220047.17), dbSNP rs35464956, ClinGen allele CA350413.
Genomic context (GRCh38, chr17:58,206,150, plus strand): 5'-GGGTTCCAGAGGGGCTCACTAGGTCCTGCGGGAGGCTTTCCCGGGCCTCCTGCATGCGGC[G>A]CCGGGCTCGACGGAAGGCCTCTGTAAGGAAAGGAGATATGCTATTTGGCTGCCATATGGT-3'
Protein context (NP_060247.2, residues 527-547): NVLEAFRRAR[Arg537Cys]RMQEARESLP